The following is an entry in ClinVar:

ClinVar aggregate classification (germline): Uncertain significance. Review status: criteria provided, multiple submitters, no conflicts (2 of 4 stars). 2 submissions from 2 submitters: Uncertain significance (2). Last evaluated 2023-12-18.

Conditions:
Cardiomyopathy (CMYO). Also called: Cardiomyopathies. Identifiers: Orphanet 167848, MedGen C0878544, MONDO:0004994, HP:0001638. Inheritance: Various modes of inheritance.

Submissions (2):

All of Us Research Program, National Institutes of Health
Classification: Uncertain significance for Cardiomyopathy. Last evaluated: 2023-12-18. Review status: criteria provided, single submitter. Criteria: ACMG Guidelines, 2015. Collection method: clinical testing. Allele origin: germline. Inheritance: Autosomal dominant inheritance. Observed: 1 variant allele, 1 heterozygote.
Comment: This missense variant replaces arginine with serine at codon 671 of the MYH7 protein. Computational prediction suggests that this variant may have deleterious impact on protein structure and function (internally defined REVEL score threshold >= 0.7, PMID: 27666373). To our knowledge, functional studies have not been reported for this variant. This variant has not been reported in individuals affected with MYH7-related disorders in the literature. This variant has not been identified in the general population by the Genome Aggregation Database (gnomAD). The available evidence is insufficient to determine the role of this variant in disease conclusively. Therefore, this variant is classified as a Variant of Uncertain Significance.

This study involves interpretation of variants in research participants for the purpose of population health screening. Participant phenotype was not available at the time of variant classification. Additional details can be found in publication PMID: 35346344, PMCID: PMC8962531

GeneDx
Classification: Uncertain significance. Last evaluated: 2023-03-28. Review status: criteria provided, single submitter. Criteria: GeneDx Variant Classification Process June 2021. Collection method: clinical testing. Allele origin: germline. Affected: yes.
Comment: Not observed at significant frequency in large population cohorts (gnomAD); In silico analysis supports that this missense variant has a deleterious effect on protein structure/function; In silico analysis supports a deleterious effect on splicing; Has not been previously published as pathogenic or benign to our knowledge; This variant is associated with the following publications: (PMID: 27532257, 29300372)

NM_000257.4(MYH7):c.2011C>A (p.Arg671Ser)

Gene: MYH7 (myosin heavy chain 7; minus strand). Cytogenetic location: 14q11.2.
Variant type: single nucleotide variant.
Coding change: c.2011C>A on transcript NM_000257.4 (MANE Select); coding-DNA position 2011, C replaced by A.
Protein change: p.Arg671Ser; replaces arginine 671 with serine.
Molecular consequence: missense variant.
Genome position (GRCh38, 1-based): chr14:23,426,810, G>T on the plus strand (C>A on the coding strand, the complement: MYH7 is on the minus strand). VCF-style: chr14-23426810-G-T. GRCh37 (hg19) VCF-style: chr14-23896019-G-T.
Other names: c.2011C>A, p.Arg671Ser (NM_001407004.1); short protein forms R671S.
Identifiers: ClinVar variation 2582080 (VCV002582080.2), dbSNP rs727503263, ClinGen allele CA389049327.
Genomic context (GRCh38, chr14:23,426,810, plus strand): 5'-TGGGTTGGCCTGAGTTTGTGGCCTCACCTGGAGACTTTGTCTCATTAGGGATGATACAAC[G>T]TACAAAGTGGGGATGGGTGGAGCGCAAGTTGGTCATCAGCTTGTTCAGATTTTCCTGTGG-3'
Protein context (NP_000248.2, residues 661-681): NLRSTHPHFV[Arg671Ser]CIIPNETKSP